The following is an entry in ClinVar:

ClinVar aggregate classification (germline): Uncertain significance (1 of 4 stars; one submission).

Conditions:
Werner syndrome (WRN). Identifiers: Orphanet 902, MedGen C0043119, MONDO:0010196, OMIM 277700.

Allele frequency attached by ClinVar (database versions not stated): TOPMed 0.00001.
gnomAD v4.1: 9 of 1,614,092 alleles (0.00056%); highest among the groups gnomAD compares: Non-Finnish European, 0.00076%; no homozygotes.

Submission:

Labcorp Genetics (formerly Invitae), Labcorp
Classification: Uncertain significance for Werner syndrome. Last evaluated: 2023-09-09. Review status: criteria provided, single submitter. Criteria: Invitae Variant Classification Sherloc (09022015). Collection method: clinical testing. Allele origin: germline.
Comment: In summary, the available evidence is currently insufficient to determine the role of this variant in disease. Therefore, it has been classified as a Variant of Uncertain Significance. An algorithm developed to predict the effect of missense changes on protein structure and function (PolyPhen-2) suggests that this variant¬†is likely to be tolerated. ClinVar contains an entry for this variant (Variation ID: 1023744). This variant has not been reported in the literature in individuals affected with WRN-related conditions. This variant is present in population databases (no rsID available, gnomAD 0.002%). This sequence change replaces aspartic acid, which is acidic and polar, with valine, which is neutral and non-polar, at codon 358 of the WRN protein (p.Asp358Val).

NM_000553.6(WRN):c.1073A>T (p.Asp358Val)

Gene: WRN (WRN RecQ like helicase; plus strand). Cytogenetic location: 8p12.
Variant type: single nucleotide variant.
Coding change: c.1073A>T on transcript NM_000553.6 (MANE Select); coding-DNA position 1073, A replaced by T.
Protein change: p.Asp358Val; replaces aspartic acid 358 with valine.
Molecular consequence: missense variant.
Genome position (GRCh38, 1-based): chr8:31,081,100, A>T. VCF-style: chr8-31081100-A-T. GRCh37 (hg19) VCF-style: chr8-30938616-A-T.
Other names: short protein forms D358V.
Identifiers: ClinVar variation 1023744 (VCV001023744.4), dbSNP rs780287000, ClinGen allele CA174858633.